The following is an entry in ClinVar:

NM_003924.4(PHOX2B):c.707C>T (p.Pro236Leu)

Gene: PHOX2B (paired like homeobox 2B; minus strand). Cytogenetic location: 4p13.
Variant type: single nucleotide variant.
Coding change: c.707C>T on transcript NM_003924.4 (MANE Select); coding-DNA position 707, C replaced by T.
Protein change: p.Pro236Leu; replaces proline 236 with leucine.
Molecular consequence: missense variant.
Genome position (GRCh38, 1-based): chr4:41,746,045, G>A on the plus strand (C>T on the coding strand, the complement: PHOX2B is on the minus strand). VCF-style: chr4-41746045-G-A. GRCh37 (hg19) VCF-style: chr4-41748062-G-A.
Other names: short protein forms P236L.
Identifiers: ClinVar variation 1398910 (VCV001398910.6), dbSNP rs2153112776, ClinGen allele CA356737318.

ClinVar aggregate classification (germline): Uncertain significance (1 of 4 stars; one submission).

Conditions:
Haddad syndrome (OHD). Also called: Ondine-Hirschsprung disease. Identifiers: Orphanet 99803, MedGen C1859049, MONDO:0020493.

Submission:

Labcorp Genetics (formerly Invitae), Labcorp
Classification: Uncertain significance for Haddad syndrome. Last evaluated: 2021-09-01. Review status: criteria provided, single submitter. Criteria: Invitae Variant Classification Sherloc (09022015). Collection method: clinical testing. Allele origin: germline.
Comment: This sequence change replaces proline with leucine at codon 236 of the PHOX2B protein (p.Pro236Leu). The proline residue is moderately conserved and there is a moderate physicochemical difference between proline and leucine. The frequency data for this variant in the population databases is considered unreliable, as metrics indicate insufficient coverage at this position in the ExAC database. This variant has not been reported in the literature in individuals affected with PHOX2B-related conditions. Algorithms developed to predict the effect of missense changes on protein structure and function are either unavailable or do not agree on the potential impact of this missense change (SIFT: "Tolerated"; PolyPhen-2: "Not Available"; Align-GVGD: "Class C0"). In summary, the available evidence is currently insufficient to determine the role of this variant in disease. Therefore, it has been classified as a Variant of Uncertain Significance.